The following is an entry in ClinVar:

ClinVar aggregate classification (germline): Benign. Review status: criteria provided, multiple submitters, no conflicts (2 of 4 stars). 2 submissions from 2 submitters: Benign (2). Last evaluated 2018-06-14.

Allele frequency attached by ClinVar (database versions not stated): 1000 Genomes Project 0.76318; 1000 Genomes Project 30x 0.76780; gnomAD 0.78499 and 0.79240; TOPMed 0.78867.
gnomAD v4.1: 119,389 of 152,166 alleles (78%); highest among the groups gnomAD compares: African/African-American, 94%; 47,735 homozygotes.

Submissions (2):

GeneDx
Classification: Benign. Last evaluated: 2018-06-14. Review status: criteria provided, single submitter. Criteria: GeneDx Variant Classification (06012015). Collection method: clinical testing. Allele origin: germline. Affected: yes.
Comment: This variant is considered likely benign or benign based on one or more of the following criteria: it is a conservative change, it occurs at a poorly conserved position in the protein, it is predicted to be benign by multiple in silico algorithms, and/or has population frequency not consistent with disease.

Breakthrough Genomics
Classification: Benign. Review status: criteria provided, single submitter. Criteria: ACMG Guidelines, 2015. Collection method: not provided. Allele origin: germline. Inheritance: Autosomal recessive inheritance. Affected: yes.

NM_020312.4(COQ9):c.921+162T>C

Gene: COQ9 (coenzyme Q9; plus strand). Cytogenetic location: 16q21.
Variant type: single nucleotide variant.
Coding change: c.921+162T>C on transcript NM_020312.4 (MANE Select); 162 bases into the intron after coding-DNA position 921, T replaced by C.
Molecular consequence: intron variant.
Genome position (GRCh38, 1-based): chr16:57,460,266, T>C. VCF-style: chr16-57460266-T-C. GRCh37 (hg19) VCF-style: chr16-57494178-T-C.
Identifiers: ClinVar variation 683587 (VCV000683587.2), dbSNP rs223868, ClinGen allele CA15887908.